The following is an entry in ClinVar:

ClinVar aggregate classification (germline): Uncertain significance (1 of 4 stars; one submission).

Allele frequency attached by ClinVar (database versions not stated): gnomAD exomes below 0.00001 and 0.00001.
gnomAD v4.1: 18 of 1,584,750 alleles (0.0011%); highest among the groups gnomAD compares: Non-Finnish European, 0.0015%; no homozygotes.

Submission:

Labcorp Genetics (formerly Invitae), Labcorp
Classification: Uncertain significance. Last evaluated: 2021-09-11. Review status: criteria provided, single submitter. Criteria: Invitae Variant Classification Sherloc (09022015). Collection method: clinical testing. Allele origin: germline.
Comment: In summary, the available evidence is currently insufficient to determine the role of this variant in disease. Therefore, it has been classified as a Variant of Uncertain Significance. Algorithms developed to predict the effect of missense changes on protein structure and function (SIFT, PolyPhen-2, Align-GVGD) all suggest that this variant is likely to be tolerated. This variant has not been reported in the literature in individuals affected with PTHLH-related conditions. This variant is not present in population databases (ExAC no frequency). This sequence change replaces glycine with serine at codon 29 of the PTHLH protein (p.Gly29Ser). The glycine residue is moderately conserved and there is a small physicochemical difference between glycine and serine.

NM_198965.2(PTHLH):c.85G>A (p.Gly29Ser)

Gene: PTHLH (parathyroid hormone like hormone; minus strand). Cytogenetic location: 12p11.22.
Variant type: single nucleotide variant.
Coding change: c.85G>A on transcript NM_198965.2 (MANE Select); coding-DNA position 85, G replaced by A.
Protein change: p.Gly29Ser; replaces glycine 29 with serine.
Molecular consequence: missense variant.
Genome position (GRCh38, 1-based): chr12:27,969,410, C>T on the plus strand (G>A on the coding strand, the complement: PTHLH is on the minus strand). VCF-style: chr12-27969410-C-T. GRCh37 (hg19) VCF-style: chr12-28122343-C-T.
Other names: c.85G>A, p.Gly29Ser (NM_002820.3, NM_198964.2, NM_198966.2); short protein forms G29S.
Identifiers: ClinVar variation 1428990 (VCV001428990.6), dbSNP rs984441473, ClinGen allele CA234899280.